The following continues an entry in ClinVar:

NM_000492.4(CFTR):c.2900T>C (p.Leu967Ser)

Gene: CFTR. ClinVar aggregate classification (germline): Conflicting classifications of pathogenicity. Pathogenic (1); Likely pathogenic (4); Uncertain significance (19).

Submissions 5 to 16 of 30:

Ambry Genetics
Classification: Uncertain significance for Cystic fibrosis. Last evaluated: 2024-12-11. Review status: criteria provided, single submitter. Criteria: Ambry Variant Classification Scheme 2023. Collection method: clinical testing. Allele origin: germline.
Comment: The p.L967S variant (also known as c.2900T>C), located in coding exon 17 of the CFTR gene, results from a T to C substitution at nucleotide position 2900. The leucine at codon 967 is replaced by serine, an amino acid with dissimilar properties. This variant has been reported in individuals with a known pathogenic mutation and varying clinical presentations including: cystic fibrosis (CF), transient neonatal hypertrypsinemia, and non-classic CF; however, the phase of the alterations was not confirmed (Claustres M et al. Hum Mol Genet. 1993; 2(8):1209-1213; Boyne J et al. J Med Genet. 2000;37(7):543-547; Groman JD et al. N Engl J Med. 2002;347(6):401-407; Choi P et al. Clin Case Rep, 2021 Mar;9:1379-1382). Several studies have reported this alteration in individuals with pancreatitis, some with additional alterations in SPINK1 and/or CFTR (Audrezet MP et al. Eur J Hum Genet. 2002;10(2):100-106; Cohn JA et al. Hum Mutat. 2005;26(4):303-307; Bishop MD et al. Hum Genet. 2005;118(3-4):372-381; Masson et al. PLoS ONE 2013; 8(8):e73522; LaRusch J et al. PLoS Genet., 2014 Jul;10:e1004376). One functional study showed that this alteration results in normal protein folding, glycosylation, and chloride channel activities, but significantly alters bicarbonate permeability and conductance (LaRusch J et al. PLoS Genet., 2014 Jul;10:e1004376). Other functional studies showed reduced CFTR function; however, the clinical relevance of this finding is unclear (Raraigh KS et al. Am. J. Hum. Genet., 2018 Jun;102:1062-1077; Bihler H et al. J Cyst Fibros, 2024 Jul;23:664-675). The variant has been reported as non CF-causing (The Clinical and Functional TRanslation of CFTR (CFTR2); available at CFTR2. Accessed December 11, 2024). Based on data from gnomAD, the frequency for this variant is above the maximum credible frequency for a disease-causing variant in this gene based on internally established thresholds (Karczewski et al. Nature. 2020 May;581(7809):434-443; Whiffin et al. Genet Med. 2017 10;19:1151-1158). This amino acid position is not well conserved in available vertebrate species. In addition, this alteration is predicted to be deleterious by in silico analysis. Based on available evidence to date, this variant is unlikely to be causative of classic cystic fibrosis; however, its contribution to the development of a CFTR-related disorder is uncertain. This alteration is thus classified as a variant of unknown significance.

Blueprint Genetics
Classification: Uncertain significance. Last evaluated: 2024-11-06. Review status: criteria provided, single submitter. Criteria: ACMG Guidelines, 2015. Collection method: clinical testing. Allele origin: germline.

Greenwood Genetic Center Diagnostic Laboratories, Greenwood Genetic Center
Classification: Uncertain significance. Last evaluated: 2024-09-11. Review status: criteria provided, single submitter. Criteria: ACMG Guidelines, 2015. Collection method: clinical testing. Allele origin: germline. Affected: yes.
Comment: PM2, PP3

ARUP Laboratories, Molecular Genetics and Genomics, ARUP Laboratories
Classification: Pathogenic for Cystic fibrosis; Bronchiectasis with or without elevated sweat chloride 1; Hereditary pancreatitis; Congenital bilateral aplasia of vas deferens from CFTR mutation. Last evaluated: 2024-08-07. Review status: criteria provided, single submitter. Criteria: ARUP Molecular Germline Variant Investigation Process 2024. Collection method: clinical testing. Allele origin: germline.
Comment: The CFTR c.2900T>C; p.Leu967Ser variant (rs1800110) is reported in the literature in multiple individuals affected with CFTR-related disorders, including some with a pathogenic variant in trans (Bishop 2005, Cohn 2005, Masson 2013, Wang 2000). This variant is observed at a higher frequency in individuals diagnosed with pancreatitis compared to unaffected individuals (odds ratio >5, p<0.05) (LaRusch 2014). The p.Leu967Ser variant is reported in ClinVar (Variation ID: 219537), and it is found in the general population with an overall allele frequency of 0.07% (199/282620 alleles) in the Genome Aggregation Database. Functional assays suggest this variant has a modest or no effect on chloride channel activity, but exhibits decreased bicarbonate transport (LaRusch 2014, Raraigh 2018). Based on available information, this variant is not expected to cause classic cystic fibrosis, but is considered to be pathogenic-mild for CFTR-related disorders. References: Bishop MD et al. The cystic fibrosis transmembrane conductance regulator gene and ion channel function in patients with idiopathic pancreatitis. Hum Genet. 2005 Dec;118(3-4):372-81. PMID: 16193325 Cohn JA et al. Increased risk of idiopathic chronic pancreatitis in cystic fibrosis carriers. Hum Mutat. 2005 Oct;26(4):303-7. PMID: 16134171 LaRusch J et al. Mechanisms of CFTR functional variants that impair regulated bicarbonate permeation and increase risk for pancreatitis but not for cystic fibrosis. PLoS Genet. 2014 10(7):e1004376. PMID: 25033378 Masson E et al. A conservative assessment of the major genetic causes of idiopathic chronic pancreatitis: data from a comprehensive analysis of PRSS1, SPINK1, CTRC and CFTR genes in 253 young French patients. PLoS One.2013 8(8):e73522. PMID: 23951356 Raraigh KS et al. Functional Assays Are Essential for Interpretation of Missense Variants Associated with Variable Expressivity. Am J Hum Genet. 2018 Jun 7;102(6):1062-1077. PMID: 29805046 Wang X et al. Mutation in the gene responsible for cystic fibrosis and predisposition to chronic rhinosinusitis in the general population. JAMA. 2000 Oct 11;284(14):1814-9. PMID: 11025834

Fulgent Genetics
Classification: Uncertain significance for Hereditary pancreatitis; Bronchiectasis with or without elevated sweat chloride 1; Cystic fibrosis; Congenital bilateral aplasia of vas deferens from CFTR mutation. Last evaluated: 2024-06-10. Review status: criteria provided, single submitter. Criteria: ACMG Guidelines, 2015. Collection method: clinical testing. Allele origin: germline.

Clinical Genomics Laboratory, Washington University in St. Louis
Classification: Uncertain significance for Cystic fibrosis. Last evaluated: 2023-11-14. Review status: criteria provided, single submitter. Criteria: ACMG Guidelines, 2015. Collection method: clinical testing. Allele origin: germline.
Comment: The CFTR c.2900T>C (p.Leu967Ser) variant has been reported in patients with chronic rhinosinusitis, chronic pancreatitis, or nonclassical cystic fibrosis (Bishop MD et al., PMID: 16193325; Cohen JA et al., PMID: 16134171; Groman JD et al., PMID: 12167682; LaRusch J et al., PMID: 25033378; Lucidi V et al., PMID: 21499205; Masson E et al., PMID: 23951356; Schrijver I et al., PMI: 15858154; Wang X et al., PMID: 11025834; Zietkiewicz E et al., PMID: 24586523). The majority of cases were compound heterozygous for the variant and a second variant confirmed in trans. Functional studies by one group demonstrated that p.Leu967Ser maintained 74% of CFTR function (Raraigh KS et al,. PMID: 29805046). LaRusch and colleagues showed that the variant does not impact CFTR expression, stability or chloride levels. Furthermore, they demonstrated that this and other variants not associated with typical CF alter the WNK1-SPAK activation pathway, changing CFTR permeability from a chloride to bicarbonate-preferring channel (LaRusch J et al., PMID: 25033378), indicative of an alternate disease mechanism. The highest population minor allele frequency in the population database genome aggregation database (v.2.1.1) is 0.10% in the European-Non-Finnish population. Computational predictors indicate that the variant is damaging, evidence that correlates with impact to CFTR function. This variant has been reported as a variant with varying clinical consequences in the CFTR2 database. The variant has been reported in the ClinVar database as a pathogenic variant by one submitter, likely pathogenic by three submitters and a variant of uncertain significance by 17 submitters (ClinVar Variation ID: 219537). Due to limited information, and based on ACMG/AMP guidelines for variant interpretation (Richards S et al., PMID: 25741868), the clinical significance of this variant is uncertain at this time.

Department of Pathology and Laboratory Medicine, Sinai Health System
Classification: Uncertain significance for cystic fibrosis. Last evaluated: 2023-06-28. Review status: criteria provided, single submitter. Criteria: ACMG Guidelines, 2015. Collection method: research. Allele origin: germline.

Baylor Genetics
Classification: Uncertain significance for Bronchiectasis with or without elevated sweat chloride 1. Last evaluated: 2023-01-22. Review status: criteria provided, single submitter. Criteria: ACMG Guidelines, 2015. Collection method: clinical testing. Allele origin: unknown.

Mayo Clinic Laboratories, Mayo Clinic
Classification: Uncertain significance. Last evaluated: 2022-10-26. Review status: criteria provided, single submitter. Criteria: ACMG Guidelines, 2015. Collection method: clinical testing. Allele origin: germline. Observed: 14 variant alleles.
Comment: PM2, PM3_strong

MGZ Medical Genetics Center
Classification: Likely pathogenic for Cystic fibrosis. Last evaluated: 2022-08-30. Review status: criteria provided, single submitter. Criteria: ACMG Guidelines, 2015. Collection method: clinical testing. Allele origin: germline. Affected: yes. Observed: 2 variant alleles.
Comment: ACMG criteria applied: PS4_MOD, PM3, PM2_SUP, PP3

CeGaT Center for Human Genetics Tuebingen
Classification: Uncertain significance. Last evaluated: 2022-04-01. Review status: criteria provided, single submitter. Criteria: CeGaT Center For Human Genetics Tuebingen Variant Classification Criteria Version 2. Collection method: clinical testing. Allele origin: germline. Affected: yes. Observed: 2 variant alleles.
Comment: CFTR: PM3, PM2:Supporting, PS3:Supporting, PS4:Supporting

Sema4
Classification: Uncertain significance for Hereditary pancreatitis. Last evaluated: 2022-02-09. Review status: criteria provided, single submitter. Criteria: Sema4 Curation Guidelines. Collection method: curation. Allele origin: germline.
Comment: The CFTR c.2900T>C (p.L967S) variant has been reported in heterozygosity in at least 11 individuals with pancreatitis, cystic fibrosis, or cystic fibrosis related disorders (PMID: 10970190, 23951356, 21520337, 31088717, 29805046, 28603918, 28544683, 29589582, 25033378, 24586523). This variant was observed in 46/35392 chromosomes in the Latino population, with 0 homozygotes, according to the Genome Aggregation Database (PMID: 32461654). Case-control studies suggest that the variant may increase risk of developing pancreatitis (OR of 6.87, p-value 0.002), and when it co-occurs in individuals with the SPINK1 N34S variant, it increases the risk with an OR 11.17 (p-value 0.014) (PMID 25033378). One in vitro functional study has demonstrated that this variant does not affect CFTR expression or chloride conductance but alters the bicarbonate conductance (PMID 25033378). The variant has been reported in ClinVar (Variation ID 219537). The overall evidence is inconsistent with ACMG/AMP requirements for a classification of benign or pathogenic. In summary, the clinical significance of this variant is currently uncertain.